The following is an entry in ClinVar:

ClinVar aggregate classification (germline): Uncertain significance. Review status: criteria provided, multiple submitters, no conflicts (2 of 4 stars). 3 submissions from 3 submitters: Uncertain significance (3). Last evaluated 2025-08-11.

Conditions:
Fanconi anemia (FA). Also called: Fanconi's anemia. Identifiers: Orphanet 84, MedGen C0015625, MeSH D005199, MONDO:0019391.
Inborn genetic diseases. Identifiers: MedGen C0950123, MeSH D030342.

Allele frequency attached by ClinVar (database versions not stated): gnomAD exomes below 0.00001; ExAC 0.00001.
gnomAD v4.1: 1 of 1,586,362 alleles (0.000063%); highest among the groups gnomAD compares: Non-Finnish European, 0.000087%; no homozygotes.

Submissions (3):

Ambry Genetics
Classification: Uncertain significance for Inborn genetic diseases. Last evaluated: 2025-08-11. Review status: criteria provided, single submitter. Criteria: Ambry Variant Classification Scheme 2023. Collection method: clinical testing. Allele origin: germline.
Comment: The p.R230K variant (also known as c.689G>A), located in coding exon 3 of the FANCM gene, results from a G to A substitution at nucleotide position 689. The arginine at codon 230 is replaced by lysine, an amino acid with highly similar properties. This amino acid position is conserved. In addition, this alteration is predicted to be tolerated by in silico analysis. Based on the available evidence, the clinical significance of this variant remains unclear.

Labcorp Genetics (formerly Invitae), Labcorp
Classification: Uncertain significance for Fanconi anemia. Last evaluated: 2024-11-15. Review status: criteria provided, single submitter. Criteria: Invitae Variant Classification Sherloc (09022015). Collection method: clinical testing. Allele origin: germline.
Comment: This sequence change replaces arginine, which is basic and polar, with lysine, which is basic and polar, at codon 230 of the FANCM protein (p.Arg230Lys). This variant is present in population databases (rs765870297, gnomAD 0.0009%). This variant has not been reported in the literature in individuals affected with FANCM-related conditions. ClinVar contains an entry for this variant (Variation ID: 2662525). An algorithm developed to predict the effect of missense changes on protein structure and function (PolyPhen-2) suggests that this variant is likely to be tolerated. In summary, the available evidence is currently insufficient to determine the role of this variant in disease. Therefore, it has been classified as a Variant of Uncertain Significance.

GeneDx
Classification: Uncertain significance. Last evaluated: 2023-04-07. Review status: criteria provided, single submitter. Criteria: GeneDx Variant Classification Process June 2021. Collection method: clinical testing. Allele origin: germline. Affected: yes.
Comment: Not observed at significant frequency in large population cohorts (gnomAD); In silico analysis supports that this missense variant does not alter protein structure/function; Has not been previously published as pathogenic or benign to our knowledge

NM_020937.4(FANCM):c.689G>A (p.Arg230Lys)

Gene: FANCM (FA complementation group M; plus strand). Cytogenetic location: 14q21.2.
Variant type: single nucleotide variant.
Coding change: c.689G>A on transcript NM_020937.4 (MANE Select); coding-DNA position 689, G replaced by A.
Protein change: p.Arg230Lys; replaces arginine 230 with lysine.
Molecular consequence: missense variant. On other transcripts: intron variant (1).
Genome position (GRCh38, 1-based): chr14:45,140,639, G>A. VCF-style: chr14-45140639-G-A. GRCh37 (hg19) VCF-style: chr14-45609842-G-A.
Other names: c.689G>A, p.Arg230Lys (NM_001308134.2); c.681+3398G>A (NM_001308133.2); short protein forms R230K.
Identifiers: ClinVar variation 2662525 (VCV002662525.4), dbSNP rs765870297, ClinGen allele CA7168835.
Genomic context (GRCh38, chr14:45,140,639, plus strand): 5'-ACTGTTATTTTTGCATTGAACAGATGAAACTAAAGAACTTTTTTTTTCTTAAGGTTGTAA[G>A]AGAACTAGTCAAATATACAAATCACTTTAGAATCTTGGCTCTAAGTGCCACACCAGGTAG-3'
Protein context (NP_065988.1, residues 220-240): LGNYAYCQVV[Arg230Lys]ELVKYTNHFR